The following is an entry in ClinVar:

NM_018842.5(BAIAP2L1):c.487-14_487-13insATTA

Genes: BAIAP2L1 (BAR/IMD domain containing adaptor protein 2 like 1; minus strand), BRI3 (brain protein I3; plus strand). Cytogenetic location: 7q21.3.
Variant type: Insertion.
Coding change: c.487-14_487-13insATTA on transcript NM_018842.5 (MANE Select); 14 bases into the intron before coding-DNA position 487 through 13 bases into the intron before coding-DNA position 487, ATTA inserted.
Molecular consequence: intron variant.
Genome position: GRCh38 VCF-style: chr7-98315625-A-ATAAT. GRCh37 (hg19) VCF-style: chr7-97944937-A-ATAAT.
Identifiers: ClinVar variation 402407 (VCV000402407.5), dbSNP rs372695844, ClinGen allele CA4358139.
Genomic context (GRCh38, chr7:98,315,625, plus strand): 5'-AATGAATTTCTGGATTTCACTCTGACGAGAAGTAACGGTCTCCACATACTAAAAAAAAAA[A>ATAAT]AATAATAATAATAATAATTATATAAGCATGACATGAGCATCAGATAGCGTGCAGCCTGAC-3'

ClinVar aggregate classification (germline): Benign (1 of 4 stars; one submission).

Submissions (3):

Laboratory for Molecular Medicine, Mass General Brigham Personalized Medicine
Classification: Benign. Last evaluated: 2016-03-29. Review status: criteria provided, single submitter. Criteria: LMM Criteria. Collection method: clinical testing. Allele origin: germline.
Comment: Variant identified in a genome or exome case(s) and assessed due to predicted null impact of the variant or pathogenic assertions in the literature or databases. Disclaimer: This variant has not undergone full assessment. The following are preliminary notes: Frequency

Dr. Peter K. Rogan Lab, Western University
No classification provided (evidence only). Condition: Sarcoma. Review status: no classification provided. Collection method: in vitro. Allele origin: not applicable. Functional consequence: retained intron. Not counted in ClinVar's aggregate classification.

Dr. Peter K. Rogan Lab, Western University
No classification provided (evidence only). Condition: Uterine corpus endometrial carcinoma. Review status: no classification provided. Collection method: in vitro. Allele origin: not applicable. Functional consequence: retained intron. Not counted in ClinVar's aggregate classification.